The following is an entry in ClinVar:

ClinVar aggregate classification (germline): Uncertain significance. Review status: criteria provided, multiple submitters, no conflicts (2 of 4 stars). 5 submissions from 5 submitters: Uncertain significance (4). 1 of the submissions does not count toward it. Last evaluated 2024-06-04.

Conditions:
PCDH15-related disorder. Also called: PCDH15-related disorders; PCDH15-related condition.
Usher syndrome type 1F (USH1F). Also called: USHER SYNDROME, TYPE IF. Identifiers: Orphanet 231169, Orphanet 886, MedGen C1865885, MONDO:0011186, OMIM 602083.

Allele frequency attached by ClinVar (database versions not stated): gnomAD exomes below 0.00001 and 0.00001; TOPMed below 0.00001; gnomAD 0.00001; ExAC 0.00002.
gnomAD v4.1: 5 of 1,613,472 alleles (0.00031%); highest among the groups gnomAD compares: Non-Finnish European, 0.00042%; no homozygotes.

Submissions (5):

GeneDx
Classification: Uncertain significance. Last evaluated: 2024-06-04. Review status: criteria provided, single submitter. Criteria: GeneDx Variant Classification Process June 2021. Collection method: clinical testing. Allele origin: germline. Affected: yes.
Comment: Not observed at significant frequency in large population cohorts (gnomAD); In silico analysis supports that this missense variant has a deleterious effect on protein structure/function; Has not been previously published as pathogenic or benign to our knowledge

PreventionGenetics, part of Exact Sciences
Classification: Uncertain significance for PCDH15-related condition. Last evaluated: 2023-02-09. Review status: criteria provided, single submitter. Criteria: ACMG Guidelines, 2015. Collection method: clinical testing. Allele origin: germline.
Comment: The PCDH15 c.161C>T variant is predicted to result in the amino acid substitution p.Thr54Ile. To our knowledge, this variant has not been reported in the literature. This variant is reported in 0.0026% of alleles in individuals of European (Non-Finnish) descent in gnomAD. At this time, the clinical significance of this variant is uncertain due to the absence of conclusive functional and genetic evidence.

Labcorp Genetics (formerly Invitae), Labcorp
Classification: Uncertain significance. Last evaluated: 2022-07-12. Review status: criteria provided, single submitter. Criteria: Invitae Variant Classification Sherloc (09022015). Collection method: clinical testing. Allele origin: germline.
Comment: This sequence change replaces threonine, which is neutral and polar, with isoleucine, which is neutral and non-polar, at codon 54 of the PCDH15 protein (p.Thr54Ile). This variant is present in population databases (rs727505253, gnomAD 0.002%). This variant has not been reported in the literature in individuals affected with PCDH15-related conditions. ClinVar contains an entry for this variant (Variation ID: 179972). Algorithms developed to predict the effect of missense changes on protein structure and function are either unavailable or do not agree on the potential impact of this missense change (SIFT: "Deleterious"; PolyPhen-2: "Probably Damaging"; Align-GVGD: "Class C0"). In summary, the available evidence is currently insufficient to determine the role of this variant in disease. Therefore, it has been classified as a Variant of Uncertain Significance.

Laboratory for Molecular Medicine, Mass General Brigham Personalized Medicine
Classification: Uncertain significance. Last evaluated: 2014-11-10. Review status: criteria provided, single submitter. Criteria: LMM Criteria. Collection method: clinical testing. Allele origin: germline. Observed: 1 variant allele.
Comment: The p.Thr54Ile variant in PCDH15 has not been previously reported in individuals with hearing loss and was absent from large population studies. Computational p rediction tools and conservation analyses suggest that the p.Thr54Ile variant ma y impact the protein, though this information is not predictive enough to determ ine pathogenicity. In summary, the clinical significance of the p.Thr54Ile varia nt is uncertain.

Natera, Inc.
Classification: Uncertain significance for Usher syndrome type 1F. Last evaluated: 2019-11-11. Review status: no assertion criteria provided. Collection method: clinical testing. Allele origin: germline. Not counted in ClinVar's aggregate classification.

NM_001384140.1(PCDH15):c.161C>T (p.Thr54Ile)

Gene: PCDH15 (protocadherin related 15; minus strand). Cytogenetic location: 10q21.1.
Variant type: single nucleotide variant.
Coding change: c.161C>T on transcript NM_001384140.1 (MANE Select); coding-DNA position 161, C replaced by T.
Protein change: p.Thr54Ile; replaces threonine 54 with isoleucine.
Molecular consequence: missense variant.
Genome position (GRCh38, 1-based): chr10:54,378,939, G>A on the plus strand (C>T on the coding strand, the complement: PCDH15 is on the minus strand). VCF-style: chr10-54378939-G-A. GRCh37 (hg19) VCF-style: chr10-56138699-G-A.
Other names: c.176C>T, p.Thr59Ile (NM_001142763.2, NM_001142769.4, NM_001142771.2); c.161C>T, p.Thr54Ile (NM_001142764.2, NM_001142765.2, NM_001142766.2 and 8 more transcripts); c.95C>T, p.Thr32Ile (NM_001142768.2, NM_001142773.2, NM_001354404.2); short protein forms T54I, T59I, T32I.
Identifiers: ClinVar variation 179972 (VCV000179972.12), dbSNP rs727505253, ClinGen allele CA185547.